The following is an entry in ClinVar:

NM_000135.4(FANCA):c.4168-40dup

Genes: FANCA (FA complementation group A; minus strand), ZNF276 (zinc finger protein 276; plus strand). Cytogenetic location: 16q24.3.
Variant type: Duplication.
Coding change: c.4168-40dup on transcript NM_000135.4 (MANE Select); 40 bases into the intron before coding-DNA position 4168, one base duplicated (T; older notation c.4168-40dupT).
Molecular consequence: intron variant. On other transcripts: 3 prime UTR variant (2), non-coding transcript variant (4).
Genome position (GRCh38, 1-based): chr16:89,739,014, A duplicated on the plus strand (T on the coding strand, the reverse complement: FANCA is on the minus strand). VCF-style (leftmost placement, unchanged base first): chr16-89739013-T-TA. GRCh37 (hg19) VCF-style: chr16-89805421-T-TA.
Other names: c.*768dup (NM_001113525.2, NM_152287.4); c.4172-40dup (NM_001286167.3).
Identifiers: ClinVar variation 1683851 (VCV001683851.2), dbSNP rs55873203, ClinGen allele CA8250715.

ClinVar aggregate classification (germline): Likely benign (1 of 4 stars; one submission).

Allele frequency attached by ClinVar (database versions not stated): gnomAD exomes 0.00070 and 0.00190; ExAC 0.00239; 1000 Genomes Project 0.00659; 1000 Genomes Project 30x 0.00765; gnomAD 0.00773 and 0.00841; TOPMed 0.00891; ESP Exome Variant Server 0.00975.

Submission:

GeneDx
Classification: Likely benign. Last evaluated: 2019-07-26. Review status: criteria provided, single submitter. Criteria: GeneDx Variant Classification Process June 2021. Collection method: clinical testing. Allele origin: germline. Affected: yes.
Comment: See Variant Classification Assertion Criteria.